The following is an entry in ClinVar:

ClinVar aggregate classification (germline): Likely benign (1 of 4 stars; one submission).

gnomAD v4.1: 9 of 1,613,122 alleles (0.00056%); highest among the groups gnomAD compares: Admixed American, 0.015%; no homozygotes.

Submission:

CeGaT Center for Human Genetics Tuebingen
Classification: Likely benign. Last evaluated: 2026-09-01. Review status: criteria provided, single submitter. Criteria: CeGaT Center For Human Genetics Tuebingen Variant Classification Criteria Version 2. Collection method: clinical testing. Allele origin: germline. Affected: yes. Observed: 1 variant allele.
Comment: IPO8: BP4, BP7

NM_006390.4(IPO8):c.675C>T (p.Thr225=)

Gene: IPO8 (importin 8; minus strand). Cytogenetic location: 12p11.21.
Variant type: single nucleotide variant.
Coding change: c.675C>T on transcript NM_006390.4 (MANE Select); coding-DNA position 675, C replaced by T.
Protein change: p.Thr225=; no amino-acid change (threonine 225 retained).
Molecular consequence: synonymous variant.
Genome position (GRCh38, 1-based): chr12:30,676,552, G>A on the plus strand (C>T on the coding strand, the complement: IPO8 is on the minus strand). VCF-style: chr12-30676552-G-A. GRCh37 (hg19) VCF-style: chr12-30829486-G-A.
Other names: c.60C>T, p.Thr20= (NM_001190995.2).
Identifiers: ClinVar variation 5041103 (VCV005041103.1).